The following is an entry in ClinVar:

NM_001614.5(ACTG1):c.389C>A (p.Pro130Gln)

Gene: ACTG1 (actin gamma 1; minus strand). Cytogenetic location: 17q25.3.
Variant type: single nucleotide variant.
Coding change: c.389C>A on transcript NM_001614.5 (MANE Select); coding-DNA position 389, C replaced by A.
Protein change: p.Pro130Gln; replaces proline 130 with glutamine.
Molecular consequence: missense variant. On other transcripts: non-coding transcript variant (1).
Genome position (GRCh38, 1-based): chr17:81,511,601, G>T on the plus strand (C>A on the coding strand, the complement: ACTG1 is on the minus strand). VCF-style: chr17-81511601-G-T. GRCh37 (hg19) VCF-style: chr17-79478627-G-T.
Other names: c.389C>A, p.Pro130Gln (NM_001199954.3); short protein forms P130Q.
Identifiers: ClinVar variation 1494566 (VCV001494566.7), dbSNP rs1555666823, ClinGen allele CA401461412.

ClinVar aggregate classification (germline): Uncertain significance. Review status: criteria provided, multiple submitters, no conflicts (2 of 4 stars). 2 submissions from 2 submitters: Uncertain significance (2). Last evaluated 2025-04-27.

Conditions:
Autosomal dominant nonsyndromic hearing loss 20. Identifiers: Orphanet 90635, MedGen C1858172, MONDO:0011480, OMIM 604717.
Baraitser-winter syndrome 2. Identifiers: Orphanet 2995, MedGen C3281235, MONDO:0013812, OMIM 614583.

Submissions (2):

Labcorp Genetics (formerly Invitae), Labcorp
Classification: Uncertain significance for Baraitser-winter syndrome 2; Autosomal dominant nonsyndromic hearing loss 20. Last evaluated: 2025-04-27. Review status: criteria provided, single submitter. Criteria: Invitae Variant Classification Sherloc (09022015). Collection method: clinical testing. Allele origin: germline.
Comment: This sequence change replaces proline, which is neutral and non-polar, with glutamine, which is neutral and polar, at codon 130 of the ACTG1 protein (p.Pro130Gln). This variant is not present in population databases (gnomAD no frequency). This variant has not been reported in the literature in individuals affected with ACTG1-related conditions. ClinVar contains an entry for this variant (Variation ID: 1494566). Invitae Evidence Modeling of protein sequence and biophysical properties (such as structural, functional, and spatial information, amino acid conservation, physicochemical variation, residue mobility, and thermodynamic stability) indicates that this missense variant is not expected to disrupt ACTG1 protein function with a negative predictive value of 80%. In summary, the available evidence is currently insufficient to determine the role of this variant in disease. Therefore, it has been classified as a Variant of Uncertain Significance.

Blueprint Genetics
Classification: Uncertain significance. Last evaluated: 2022-05-17. Review status: criteria provided, single submitter. Criteria: ACMG Guidelines, 2015. Collection method: clinical testing. Allele origin: germline.